The following is an entry in ClinVar:

NM_001042492.3(NF1):c.3271G>A (p.Asp1091Asn)

Gene: NF1 (neurofibromin 1; plus strand). Cytogenetic location: 17q11.2.
Variant type: single nucleotide variant.
Coding change: c.3271G>A on transcript NM_001042492.3 (MANE Select); coding-DNA position 3271, G replaced by A.
Protein change: p.Asp1091Asn; replaces aspartic acid 1091 with asparagine.
Molecular consequence: missense variant.
Genome position (GRCh38, 1-based): chr17:31,232,146, G>A. VCF-style: chr17-31232146-G-A. GRCh37 (hg19) VCF-style: chr17-29559164-G-A.
Other names: c.3271G>A, p.Asp1091Asn (NM_000267.4); short protein forms D1091N.
Identifiers: ClinVar variation 1488723 (VCV001488723.8), dbSNP rs2151433824, ClinGen allele CA398988842.

ClinVar aggregate classification (germline): Uncertain significance (1 of 4 stars; one submission).

Conditions:
Neurofibromatosis, type 1 (NF1). Also called: NEUROFIBROMATOSIS, TYPE I, SOMATIC; Neurofibromatosis, type I; VON RECKLINGHAUSEN DISEASE; Peripheral type neurofibromatosis. Identifiers: Orphanet 636, MedGen C0027831, MONDO:0018975, OMIM 162200. Disease mechanism: loss of function.

Submission:

Labcorp Genetics (formerly Invitae), Labcorp
Classification: Uncertain significance for Neurofibromatosis, type 1. Last evaluated: 2023-07-14. Review status: criteria provided, single submitter. Criteria: Invitae Variant Classification Sherloc (09022015). Collection method: clinical testing. Allele origin: germline.
Comment: This sequence change replaces aspartic acid, which is acidic and polar, with asparagine, which is neutral and polar, at codon 1091 of the NF1 protein (p.Asp1091Asn). In summary, the available evidence is currently insufficient to determine the role of this variant in disease. Therefore, it has been classified as a Variant of Uncertain Significance. Algorithms developed to predict the effect of sequence changes on RNA splicing suggest that this variant may create or strengthen a splice site. Advanced modeling of protein sequence and biophysical properties (such as structural, functional, and spatial information, amino acid conservation, physicochemical variation, residue mobility, and thermodynamic stability) performed at Invitae indicates that this missense variant is expected to disrupt NF1 protein function. ClinVar contains an entry for this variant (Variation ID: 1488723). This variant has not been reported in the literature in individuals affected with NF1-related conditions. This variant is not present in population databases (gnomAD no frequency).